The following is an entry in ClinVar:

ClinVar aggregate classification (germline): Pathogenic (1 of 4 stars; one submission).

Conditions:
Marfan syndrome (MFS). Also called: MARFAN SYNDROME, TYPE I; Marfan syndrome type 1; Marfan's syndrome; Marfan syndrome, classic; FBN1-Related Marfan Syndrome. Identifiers: Orphanet 284963, Orphanet 558, MedGen C0024796, MONDO:0007947, OMIM 154700.
Familial thoracic aortic aneurysm and aortic dissection (TAAD). Also called: Thoracic aortic aneurysms and dissections. Identifiers: Orphanet 91387, MedGen C4707243, MONDO:0019625.

Submission:

Labcorp Genetics (formerly Invitae), Labcorp
Classification: Pathogenic for Marfan syndrome; Familial thoracic aortic aneurysm and aortic dissection. Last evaluated: 2021-06-15. Review status: criteria provided, single submitter. Criteria: Invitae Variant Classification Sherloc (09022015). Collection method: clinical testing. Allele origin: germline.
Comment: This variant is not present in population databases (ExAC no frequency). For these reasons, this variant has been classified as Pathogenic. This variant has not been reported in the literature in individuals with FBN1-related conditions. This sequence change creates a premature translational stop signal (p.Cys2000Alafs*59) in the FBN1 gene. It is expected to result in an absent or disrupted protein product. Loss-of-function variants in FBN1 are known to be pathogenic (PMID: 17657824, 19293843).

Literature cited by the submitters: PubMed 17657824; PubMed 19293843.

NM_000138.5(FBN1):c.5998del (p.Cys2000fs)

Gene: FBN1 (fibrillin 1; minus strand). Cytogenetic location: 15q21.1.
Variant type: Deletion.
Coding change: c.5998del on transcript NM_000138.5 (MANE Select); coding-DNA position 5998, one base deleted (T; older notation c.5998delT).
Protein change: p.Cys2000fs; shifts the reading frame from cysteine 2000.
Molecular consequence: frameshift variant.
Genome position (GRCh38, 1-based): chr15:48,444,580, A deleted on the plus strand (T on the coding strand, the reverse complement: FBN1 is on the minus strand); the first of 3 consecutive A bases (chr15:48,444,580-48,444,582); deleting any one gives the same sequence. VCF-style (leftmost placement, unchanged base first): chr15-48444579-CA-C. GRCh37 (hg19) VCF-style: chr15-48736776-CA-C.
Other names: short protein forms C2000fs.
Identifiers: ClinVar variation 1420582 (VCV001420582.6), dbSNP rs1367820520, ClinGen allele CA713402912.